The following is an entry in ClinVar:

NM_000089.4(COL1A2):c.133-2A>G

Gene: COL1A2 (collagen type I alpha 2 chain; plus strand). Cytogenetic location: 7q21.3.
Variant type: single nucleotide variant.
Coding change: c.133-2A>G on transcript NM_000089.4 (MANE Select); the canonical splice acceptor site of the intron before coding-DNA position 133, A replaced by G.
Molecular consequence: splice acceptor variant.
Genome position (GRCh38, 1-based): chr7:94,400,194, A>G. VCF-style: chr7-94400194-A-G. GRCh37 (hg19) VCF-style: chr7-94029506-A-G.
Identifiers: ClinVar variation 3390631 (VCV003390631.2).

ClinVar aggregate classification (germline): Conflicting classifications of pathogenicity. Review status: criteria provided, conflicting classifications (1 of 4 stars). 2 submissions from 2 submitters: Likely pathogenic (1); Uncertain significance (1). Last evaluated 2024-06-11.

Submissions (2):

GeneDx
Classification: Likely pathogenic. Last evaluated: 2024-06-11. Review status: criteria provided, single submitter. Criteria: GeneDx Variant Classification Process June 2021. Collection method: clinical testing. Allele origin: germline. Affected: yes.
Comment: Canonical splice site variant predicted to result in an in-frame loss of the adjacent exon in a gene for which loss of function is a known mechanism of disease; Not observed at significant frequency in large population cohorts (gnomAD); Has not been previously published as pathogenic or benign to our knowledge

Blueprint Genetics
Classification: Uncertain significance. Last evaluated: 2018-06-16. Review status: criteria provided, single submitter. Criteria: ACMG Guidelines, 2015. Collection method: clinical testing. Allele origin: germline.